The following is an entry in ClinVar:

ClinVar aggregate classification (germline): Uncertain significance (1 of 4 stars; one submission).

Allele frequency attached by ClinVar (database versions not stated): gnomAD exomes below 0.00001 and 0.00001; TOPMed below 0.00001; ExAC 0.00001; gnomAD 0.00001.
gnomAD v4.1: 6 of 1,613,844 alleles (0.00037%); highest among the groups gnomAD compares: African/African-American, 0.0013%; no homozygotes.

Submission:

Labcorp Genetics (formerly Invitae), Labcorp
Classification: Uncertain significance. Last evaluated: 2023-01-17. Review status: criteria provided, single submitter. Criteria: Invitae Variant Classification Sherloc (09022015). Collection method: clinical testing. Allele origin: germline.
Comment: This variant has not been reported in the literature in individuals affected with LRRC8A-related conditions. In summary, the available evidence is currently insufficient to determine the role of this variant in disease. Therefore, it has been classified as a Variant of Uncertain Significance. Algorithms developed to predict the effect of missense changes on protein structure and function output the following: SIFT: "Tolerated"; PolyPhen-2: "Benign"; Align-GVGD: "Class C0". The serine amino acid residue is found in multiple mammalian species, which suggests that this missense change does not adversely affect protein function. ClinVar contains an entry for this variant (Variation ID: 1495613). This variant is present in population databases (rs777529563, gnomAD 0.007%). This sequence change replaces threonine, which is neutral and polar, with serine, which is neutral and polar, at codon 215 of the LRRC8A protein (p.Thr215Ser).

NM_019594.4(LRRC8A):c.644C>G (p.Thr215Ser)

Gene: LRRC8A (leucine rich repeat containing 8 VRAC subunit A; plus strand). Cytogenetic location: 9q34.11.
Variant type: single nucleotide variant.
Coding change: c.644C>G on transcript NM_019594.4 (MANE Select); coding-DNA position 644, C replaced by G.
Protein change: p.Thr215Ser; replaces threonine 215 with serine.
Molecular consequence: missense variant.
Genome position (GRCh38, 1-based): chr9:128,907,808, C>G. VCF-style: chr9-128907808-C-G. GRCh37 (hg19) VCF-style: chr9-131670087-C-G.
Other names: c.644C>G, p.Thr215Ser (NM_001127244.2, NM_001127245.2); short protein forms T215S.
Identifiers: ClinVar variation 1495613 (VCV001495613.8), dbSNP rs777529563, ClinGen allele CA5270749.